The following is an entry in ClinVar:

ClinVar aggregate classification (germline): Likely benign. Review status: criteria provided, multiple submitters, no conflicts (2 of 4 stars). 2 submissions from 2 submitters: Likely benign (2). Last evaluated 2025-12-28.

Conditions:
Gorlin syndrome. Also called: Nevoid Basal Cell Carcinoma Syndrome; Basal cell nevus syndrome. Identifiers: Orphanet 377, MedGen C0004779, MONDO:0007187.

Allele frequency attached by ClinVar (database versions not stated): gnomAD 0.00001; gnomAD exomes 0.00002 and below 0.00001; TOPMed 0.00002.
gnomAD v4.1: 24 of 1,614,052 alleles (0.0015%); highest among the groups gnomAD compares: Non-Finnish European, 0.0019%; no homozygotes.

Submissions (2):

Labcorp Genetics (formerly Invitae), Labcorp
Classification: Likely benign for Gorlin syndrome. Last evaluated: 2025-12-28. Review status: criteria provided, single submitter. Criteria: Invitae Variant Classification Sherloc (09022015). Collection method: clinical testing. Allele origin: germline.

GeneDx
Classification: Likely benign. Last evaluated: 2018-03-21. Review status: criteria provided, single submitter. Criteria: GeneDx Variant Classification (06012015). Collection method: clinical testing. Allele origin: germline. Affected: yes.
Comment: This variant is considered likely benign or benign based on one or more of the following criteria: it is a conservative change, it occurs at a poorly conserved position in the protein, it is predicted to be benign by multiple in silico algorithms, and/or has population frequency not consistent with disease.

NM_000264.5(PTCH1):c.2561-20C>A

Gene: PTCH1 (patched 1; minus strand). Cytogenetic location: 9q22.32.
Variant type: single nucleotide variant.
Coding change: c.2561-20C>A on transcript NM_000264.5 (MANE Select); 20 bases into the intron before coding-DNA position 2561, C replaced by A.
Molecular consequence: intron variant.
Genome position (GRCh38, 1-based): chr9:95,462,018, G>T on the plus strand (C>A on the coding strand, the complement: PTCH1 is on the minus strand). VCF-style: chr9-95462018-G-T. GRCh37 (hg19) VCF-style: chr9-98224300-G-T.
Other names: c.2558-20C>A (NM_001083603.3); c.2363-20C>A (NM_001083602.3); c.2405-20C>A (NM_001354918.2); c.2108-20C>A (NM_001083605.3, NM_001083604.3, NM_001083606.3 and 1 more transcripts).
Identifiers: ClinVar variation 681074 (VCV000681074.9), dbSNP rs1361292543, ClinGen allele CA589265271.